The following is an entry in ClinVar:

NM_017534.6(MYH2):c.5180C>G (p.Thr1727Ser)

Genes: MYH2 (myosin heavy chain 2; minus strand), MYHAS (myosin heavy chain gene cluster antisense RNA; plus strand). Cytogenetic location: 17p13.1.
Variant type: single nucleotide variant.
Coding change: c.5180C>G on transcript NM_017534.6 (MANE Select); coding-DNA position 5180, C replaced by G.
Protein change: p.Thr1727Ser; replaces threonine 1727 with serine.
Molecular consequence: missense variant.
Genome position (GRCh38, 1-based): chr17:10,523,880, G>C on the plus strand (C>G on the coding strand, the complement: MYH2 is on the minus strand). VCF-style: chr17-10523880-G-C. GRCh37 (hg19) VCF-style: chr17-10427197-G-C.
Other names: c.5180C>G, p.Thr1727Ser (NM_001100112.2); short protein forms T1727S.
Identifiers: ClinVar variation 1373942 (VCV001373942.8), dbSNP rs750223323, ClinGen allele CA8390459.

ClinVar aggregate classification (germline): Uncertain significance (1 of 4 stars; one submission).

Conditions:
Myopathy, proximal, and ophthalmoplegia (CMYO6). Also called: CONGENITAL MYOPATHY 6 WITH OPHTHALMOPLEGIA; INCLUSION BODY MYOPATHY 3, AUTOSOMAL DOMINANT; MYOPATHY WITH CONGENITAL JOINT CONTRACTURES, OPHTHALMOPLEGIA, AND RIMMED VACUOLES. Identifiers: Orphanet 363677, Orphanet 79091, MedGen C1854106, MONDO:0011577, OMIM 605637.

Allele frequency attached by ClinVar (database versions not stated): ExAC 0.00002.
gnomAD v4.1: 31 of 1,613,268 alleles (0.0019%); highest among the groups gnomAD compares: Admixed American, 0.0033%; no homozygotes.

Submission:

Labcorp Genetics (formerly Invitae), Labcorp
Classification: Uncertain significance for Myopathy, proximal, and ophthalmoplegia. Last evaluated: 2023-11-24. Review status: criteria provided, single submitter. Criteria: Invitae Variant Classification Sherloc (09022015). Collection method: clinical testing. Allele origin: germline.
Comment: This sequence change replaces threonine, which is neutral and polar, with serine, which is neutral and polar, at codon 1727 of the MYH2 protein (p.Thr1727Ser). This variant is present in population databases (rs750223323, gnomAD 0.005%). This variant has not been reported in the literature in individuals affected with MYH2-related conditions. ClinVar contains an entry for this variant (Variation ID: 1373942). Advanced modeling of protein sequence and biophysical properties (such as structural, functional, and spatial information, amino acid conservation, physicochemical variation, residue mobility, and thermodynamic stability) performed at Invitae indicates that this missense variant is not expected to disrupt MYH2 protein function with a negative predictive value of 80%. In summary, the available evidence is currently insufficient to determine the role of this variant in disease. Therefore, it has been classified as a Variant of Uncertain Significance.